The following is an entry in ClinVar:

NM_000218.3(KCNQ1):c.1817T>C (p.Leu606Pro)

Genes: KCNQ1 (potassium voltage-gated channel subfamily Q member 1; plus strand), KCNQ1-AS1 (KCNQ1 antisense RNA 1; minus strand). Cytogenetic location: 11p15.4.
Variant type: single nucleotide variant.
Coding change: c.1817T>C on transcript NM_000218.3 (MANE Select); coding-DNA position 1817, T replaced by C.
Protein change: p.Leu606Pro; replaces leucine 606 with proline.
Molecular consequence: missense variant.
Genome position (GRCh38, 1-based): chr11:2,847,789, T>C. VCF-style: chr11-2847789-T-C. GRCh37 (hg19) VCF-style: chr11-2869019-T-C.
Other names: c.1721T>C, p.Leu574Pro (NM_001406836.1); c.1547T>C, p.Leu516Pro (NM_001406837.1); c.1277T>C, p.Leu426Pro (NM_001406838.1); c.329T>C, p.Leu110Pro (NM_001406839.1); c.1436T>C, p.Leu479Pro (NM_181798.2); short protein forms L110P, L426P, L479P, L516P, L574P, L606P.
Identifiers: ClinVar variation 4758903 (VCV004758903.1).

ClinVar aggregate classification (germline): Uncertain significance (1 of 4 stars; one submission).

Conditions:
Cardiac arrhythmia. Also called: Arrhythmia; Cardiac rhythm disease. Identifiers: MedGen C0003811, MONDO:0007263, HP:0011675.

Submission:

Color Diagnostics, LLC DBA Color Health
Classification: Uncertain significance for Cardiac arrhythmia. Last evaluated: 2025-07-14. Review status: criteria provided, single submitter. Criteria: ACMG Guidelines, 2015. Collection method: clinical testing. Allele origin: germline.
Comment: This missense variant replaces leucine with proline at codon 606 of the KCNQ1 protein. Computational prediction suggests that this variant may have deleterious impact on protein structure and function. To our knowledge, functional studies have not been reported for this variant. This variant has not been reported in individuals affected with KCNQ1-related disorders in the literature. This variant has not been identified in the general population by the Genome Aggregation Database (gnomAD). The available evidence is insufficient to determine the role of this variant in disease conclusively. Therefore, this variant is classified as a Variant of Uncertain Significance.